The following is an entry in ClinVar:

ClinVar aggregate classification (germline): Likely benign. Review status: criteria provided, multiple submitters, no conflicts (2 of 4 stars). 3 submissions from 3 submitters: Likely benign (2). 1 of the submissions does not count toward it. Last evaluated 2025-09-06.

Conditions:
Autosomal recessive retinitis pigmentosa. Identifiers: MedGen C0339526.
EYS-related disorder. Also called: EYS-related condition.

Allele frequency attached by ClinVar (database versions not stated): gnomAD exomes 0.00001 and 0.00003; TOPMed 0.00008; gnomAD 0.00015 and 0.00016.
gnomAD v4.1: 29 of 1,550,838 alleles (0.0019%); highest among the groups gnomAD compares: African/African-American, 0.04%; no homozygotes.

Submissions (3):

Labcorp Genetics (formerly Invitae), Labcorp
Classification: Likely benign. Last evaluated: 2025-09-06. Review status: criteria provided, single submitter. Criteria: Invitae Variant Classification Sherloc (09022015). Collection method: clinical testing. Allele origin: germline.

PreventionGenetics, part of Exact Sciences
Classification: Likely benign for EYS-related condition. Last evaluated: 2025-05-15. Review status: criteria provided, single submitter. Criteria: ACMG Guidelines, 2015. Collection method: clinical testing. Allele origin: germline.
Comment: This variant is classified as likely benign based on ACMG/AMP sequence variant interpretation guidelines (Richards et al. 2015 PMID: 25741868, with internal and published modifications).

Natera, Inc.
Classification: Uncertain significance for Autosomal recessive retinitis pigmentosa. Last evaluated: 2020-07-29. Review status: no assertion criteria provided. Collection method: clinical testing. Allele origin: germline. Not counted in ClinVar's aggregate classification.

NM_001142800.2(EYS):c.6732A>G (p.Thr2244=)

Gene: EYS (EGF-like photoreceptor maintenance factor; minus strand). Cytogenetic location: 6q12.
Variant type: single nucleotide variant.
Coding change: c.6732A>G on transcript NM_001142800.2 (MANE Select); coding-DNA position 6732, A replaced by G.
Protein change: p.Thr2244=; no amino-acid change (threonine 2244 retained).
Molecular consequence: synonymous variant.
Genome position (GRCh38, 1-based): chr6:63,999,177, T>C on the plus strand (A>G on the coding strand, the complement: EYS is on the minus strand). VCF-style: chr6-63999177-T-C. GRCh37 (hg19) VCF-style: chr6-64709070-T-C.
Other names: c.6732A>G, p.Thr2244= (NM_001292009.2); c.6732A>G (NM_001142800.1).
Identifiers: ClinVar variation 991106 (VCV000991106.10), dbSNP rs899618893, ClinGen allele CA140268553.